The following is an entry in ClinVar:

NM_001012339.3(DNAJC21):c.1217C>A (p.Pro406His)

Gene: DNAJC21 (DnaJ heat shock protein family (Hsp40) member C21; plus strand). Cytogenetic location: 5p13.2.
Variant type: single nucleotide variant.
Coding change: c.1217C>A on transcript NM_001012339.3 (MANE Select); coding-DNA position 1217, C replaced by A.
Protein change: p.Pro406His; replaces proline 406 with histidine.
Molecular consequence: missense variant.
Genome position (GRCh38, 1-based): chr5:34,950,201, C>A. VCF-style: chr5-34950201-C-A. GRCh37 (hg19) VCF-style: chr5-34950306-C-A.
Other names: c.1256C>A, p.Pro419His (NM_001348420.2); c.1352C>A, p.Pro451His (NM_194283.4); short protein forms P419H, P451H, P406H.
Identifiers: ClinVar variation 2114519 (VCV002114519.4), dbSNP rs1163151351, ClinGen allele CA359422438.
Genomic context (GRCh38, chr5:34,950,201, plus strand): 5'-TGTAACGGCACATATGTTTTATTACCTAGAATTATGATGACAATTTCAATGTAAATGGAC[C>A]TGGAGAAGGAGTAAAGGTTGATCCAGAAGATACTAACTTAAATCAAGACAGTGCCAAAGA-3'
Protein context (NP_001012339.2, residues 396-416): NYDDNFNVNG[Pro406His]GEGVKVDPED

ClinVar aggregate classification (germline): Uncertain significance (1 of 4 stars; one submission).

gnomAD v4.1: 1 of 1,608,924 alleles (0.000062%); highest among the groups gnomAD compares: Admixed American, 0.0017%; no homozygotes.

Submission:

Labcorp Genetics (formerly Invitae), Labcorp
Classification: Uncertain significance. Last evaluated: 2021-12-22. Review status: criteria provided, single submitter. Criteria: Invitae Variant Classification Sherloc (09022015). Collection method: clinical testing. Allele origin: germline.
Comment: In summary, the available evidence is currently insufficient to determine the role of this variant in disease. Therefore, it has been classified as a Variant of Uncertain Significance. Algorithms developed to predict the effect of missense changes on protein structure and function (SIFT, PolyPhen-2, Align-GVGD) all suggest that this variant is likely to be tolerated. This variant has not been reported in the literature in individuals affected with DNAJC21-related conditions. This variant is not present in population databases (gnomAD no frequency). This sequence change replaces proline, which is neutral and non-polar, with histidine, which is basic and polar, at codon 406 of the DNAJC21 protein (p.Pro406His).